The following is an entry in ClinVar:

NM_000038.6(APC):c.3135G>T (p.Gln1045His)

Gene: APC (APC regulator of Wnt signaling pathway; plus strand). Cytogenetic location: 5q22.2.
Variant type: single nucleotide variant.
Coding change: c.3135G>T on transcript NM_000038.6 (MANE Select); coding-DNA position 3135, G replaced by T.
Protein change: p.Gln1045His; replaces glutamine 1045 with histidine.
Molecular consequence: missense variant. On other transcripts: non-coding transcript variant (2).
Genome position (GRCh38, 1-based): chr5:112,838,729, G>T. VCF-style: chr5-112838729-G-T. GRCh37 (hg19) VCF-style: chr5-112174426-G-T.
Other names: c.3135G>T, p.Gln1045His (NM_001127510.3, NM_001354895.2, NM_001407450.1); c.3081G>T, p.Gln1027His (NM_001127511.3); c.3189G>T, p.Gln1063His (NM_001354896.2, NM_001407447.1, NM_001407448.1 and 1 more transcripts); c.3165G>T, p.Gln1055His (NM_001354897.2); c.3060G>T, p.Gln1020His (NM_001354898.2); c.3051G>T, p.Gln1017His (NM_001354899.2); c.3012G>T, p.Gln1004His (NM_001354900.2); c.2958G>T, p.Gln986His (NM_001354901.2, NM_001407453.1); and 11 more; short protein forms Q1004H, Q1055H, Q919H, Q944H, Q1017H, Q1020H, Q661H, Q762H.
Identifiers: ClinVar variation 2777518 (VCV002777518.4), dbSNP rs2149885151, ClinGen allele CA16028204.
Genomic context (GRCh38, chr5:112,838,729, plus strand): 5'-AAATTATAGTCTTAAATATTCAGATGAGCAGTTGAACTCTGGAAGGCAAAGTCCTTCACA[G>T]AATGAAAGATGGGCAAGACCCAAACACATAATAGAAGATGAAATAAAACAAAGTGAGCAA-3'
Protein context (NP_000029.2, residues 1035-1055): QLNSGRQSPS[Gln1045His]NERWARPKHI

ClinVar aggregate classification (germline): Uncertain significance. Review status: criteria provided, multiple submitters, no conflicts (2 of 4 stars). 2 submissions from 2 submitters: Uncertain significance (2). Last evaluated 2025-09-16.

Conditions:
Familial adenomatous polyposis 1 (FAP1). Also called: FAMILIAL ADENOMATOUS POLYPOSIS 1, ATTENUATED; POLYPOSIS, ADENOMATOUS INTESTINAL. Identifiers: MedGen C2713442, MONDO:0021056, OMIM 175100. Disease mechanism: loss of function.
Hereditary cancer-predisposing syndrome. Also called: Neoplastic Syndromes, Hereditary; Tumor predisposition; Hereditary Cancer Syndrome; Hereditary neoplastic syndrome. Identifiers: Orphanet 140162, MedGen C0027672, MeSH D009386, MONDO:0015356.

Submissions (2):

Color Diagnostics, LLC DBA Color Health
Classification: Uncertain significance for Hereditary cancer-predisposing syndrome. Last evaluated: 2025-09-16. Review status: criteria provided, single submitter. Criteria: ACMG Guidelines, 2015. Collection method: clinical testing. Allele origin: germline.
Comment: This missense variant replaces glutamine with histidine at codon 1045 of the APC protein. Computational prediction suggests that this variant may not impact protein structure and function. APC is defined as a gene for which primarily truncating variants are known to cause disease (ClinGen HCCP VCEP). To our knowledge, functional studies have not been reported for this variant. This variant has not been reported in individuals affected with APC-related disorders in the literature. This variant has not been identified in the general population by the Genome Aggregation Database (gnomAD). The available evidence is insufficient to determine the role of this variant in disease conclusively. Therefore, this variant is classified as a Variant of Uncertain Significance.

Labcorp Genetics (formerly Invitae), Labcorp
Classification: Uncertain significance for Familial adenomatous polyposis 1. Last evaluated: 2023-10-05. Review status: criteria provided, single submitter. Criteria: Invitae Variant Classification Sherloc (09022015). Collection method: clinical testing. Allele origin: germline.
Comment: This sequence change replaces glutamine, which is neutral and polar, with histidine, which is basic and polar, at codon 1045 of the APC protein (p.Gln1045His). This variant is not present in population databases (gnomAD no frequency). This variant has not been reported in the literature in individuals affected with APC-related conditions. Advanced modeling of protein sequence and biophysical properties (such as structural, functional, and spatial information, amino acid conservation, physicochemical variation, residue mobility, and thermodynamic stability) performed at Invitae indicates that this missense variant is not expected to disrupt APC protein function. In summary, the available evidence is currently insufficient to determine the role of this variant in disease. Therefore, it has been classified as a Variant of Uncertain Significance.